The following is an entry in ClinVar:

NM_007294.4(BRCA1):c.227G>T (p.Ser76Ile)

Gene: BRCA1 (BRCA1 DNA repair associated; minus strand). Cytogenetic location: 17q21.31.
Variant type: single nucleotide variant.
Coding change: c.227G>T on transcript NM_007294.4 (MANE Select); coding-DNA position 227, G replaced by T.
Protein change: p.Ser76Ile; replaces serine 76 with isoleucine.
Molecular consequence: missense variant. On other transcripts: non-coding transcript variant (1).
Genome position (GRCh38, 1-based): chr17:43,104,942, C>A on the plus strand (G>T on the coding strand, the complement: BRCA1 is on the minus strand). VCF-style: chr17-43104942-C-A. GRCh37 (hg19) VCF-style: chr17-41256959-C-A.
Other names: c.227G>T, p.Ser76Ile (NM_001407665.1, NM_001407666.1, NM_001407667.1 and 168 more transcripts); c.86G>T, p.Ser29Ile (NM_001407692.1, NM_001407694.1, NM_001407695.1 and 99 more transcripts); c.17G>T, p.Ser6Ile (NM_001407853.1, NM_001407879.1, NM_001407881.1 and 58 more transcripts); c.149G>T, p.Ser50Ile (NM_001407862.1, NM_001407874.1, NM_001407875.1 and 21 more transcripts); c.-155G>T (NM_001407959.1, NM_001407960.1, NM_001407962.1 and 4 more transcripts); c.95G>T, p.Ser32Ile (NM_001408451.1); short protein forms S76I, S29I, S6I, S32I, S50I.
Identifiers: ClinVar variation 867989 (VCV000867989.3), dbSNP rs2054694832, ClinGen allele CA10601705.
Genomic context (GRCh38, chr17:43,104,942, plus strand): 5'-TCAAGCTGAAAAGCACAAATGATTTTCAATAGCTCTTCAACAAGTTGACTAAATCTCGTA[C>A]TTTCTTGTAGGCTCCTGAAATTAAATTGTTTGAGAAACACACTCAGCAAGTGATTATCAA-3'
Protein context (NP_009225.1, residues 66-86): NDITKRSLQE[Ser76Ile]TRFSQLVEEL

Conditions:
Breast-ovarian cancer, familial, susceptibility to, 1 (BROVCA1). Also called: BRCA1 Hereditary Breast and Ovarian Cancer; OVARIAN CANCER, SUSCEPTIBILITY TO. Identifiers: Orphanet 145, MedGen C2676676, MONDO:0011450, OMIM 604370. Disease mechanism: loss of function.

Submission:

Brotman Baty Institute, University of Washington
No classification provided (evidence only). Condition: Breast-ovarian cancer, familial 1. Review status: no classification provided. Collection method: in vitro. Allele origin: not applicable. Functional consequence: function_uncertain_variant.
ClinVar note: "not provided" was previously submitted as the classification for the variant. However, the classification appeared to be based only on an observation of functional data so it was converted to no classification on 2025-07-30.